The following is an entry in ClinVar:

NM_001330260.2(SCN8A):c.868G>A (p.Glu290Lys)

Gene: SCN8A (sodium voltage-gated channel alpha subunit 8; plus strand). Cytogenetic location: 12q13.13.
Variant type: single nucleotide variant.
Coding change: c.868G>A on transcript NM_001330260.2 (MANE Select); coding-DNA position 868, G replaced by A.
Protein change: p.Glu290Lys; replaces glutamic acid 290 with lysine.
Molecular consequence: missense variant.
Genome position (GRCh38, 1-based): chr12:51,699,731, G>A. VCF-style: chr12-51699731-G-A. GRCh37 (hg19) VCF-style: chr12-52093515-G-A.
Other names: c.868G>A (NM_014191.3); c.868G>A, p.Glu290Lys (NM_001177984.3, NM_001369788.1, NM_014191.4); short protein forms E290K.
Identifiers: ClinVar variation 1199237 (VCV001199237.10), dbSNP rs1555218674, ClinGen allele CA385226704.

ClinVar aggregate classification (germline): Uncertain significance. Review status: criteria provided, multiple submitters, no conflicts (2 of 4 stars). 3 submissions from 3 submitters: Uncertain significance (3). Last evaluated 2026-07-24.

Conditions:
SCN8A-related disorder.
Early-infantile DEE. Also called: Early infantile epileptic encephalopathy; Ohtahara syndrome; Early infantile epileptic encephalopathy with suppression bursts. Identifiers: Orphanet 1934, MedGen C0393706, MONDO:0800491.
SCN8A-related complex neurodevelopmental disorder.

gnomAD v4.1: 1 of 1,613,888 alleles (0.000062%); highest among the groups gnomAD compares: Non-Finnish European, 0.000085%; no homozygotes.

Submissions (3):

PreventionGenetics, part of Exact Sciences
Classification: Uncertain significance for SCN8A-related condition. Last evaluated: 2026-07-24. Review status: criteria provided, single submitter. Criteria: ACMG Guidelines, 2015. Collection method: clinical testing. Allele origin: germline.
Comment: The SCN8A c.868G>A variant is predicted to result in the amino acid substitution p.Glu290Lys. To our knowledge, this variant has not been reported in the literature or in a large population database (gnomAD), indicating this variant is rare. At this time, the clinical significance of this variant is uncertain due to the absence of conclusive functional and genetic evidence.

Labcorp Genetics (formerly Invitae), Labcorp
Classification: Uncertain significance for Early-infantile DEE. Last evaluated: 2022-09-24. Review status: criteria provided, single submitter. Criteria: Invitae Variant Classification Sherloc (09022015). Collection method: clinical testing. Allele origin: germline.
Comment: This sequence change replaces glutamic acid, which is acidic and polar, with lysine, which is basic and polar, at codon 290 of the SCN8A protein (p.Glu290Lys). In summary, the available evidence is currently insufficient to determine the role of this variant in disease. Therefore, it has been classified as a Variant of Uncertain Significance. Advanced modeling of protein sequence and biophysical properties (such as structural, functional, and spatial information, amino acid conservation, physicochemical variation, residue mobility, and thermodynamic stability) performed at Invitae indicates that this missense variant is not expected to disrupt SCN8A protein function. ClinVar contains an entry for this variant (Variation ID: 1199237). This variant has not been reported in the literature in individuals affected with SCN8A-related conditions. This variant is not present in population databases (gnomAD no frequency).

Illumina Laboratory Services, Illumina
Classification: Uncertain significance for SCN8A-related complex neurodevelopmental disorder. Last evaluated: 2020-12-17. Review status: criteria provided, single submitter. Criteria: ICSLVariantClassificationCriteria RUGD 01 April 2020. Collection method: clinical testing. Allele origin: unknown.
Comment: The SCN8A c.868G>A (p.Glu290Lys) variant is a missense variant. A literature search was performed for the gene, cDNA change, and amino acid change. No publications were found based on this search. This variant is not found in the Genome Aggregation Database in a region of good sequencing coverage, so the variant is presumed to be rare. The Glu290 residue is located in the one of the transmembrane domains of the protein. Based on the limited evidence, the p.Glu290Lys variant is classified as a variant of uncertain significance for SCN8A-related complex neurodevelopmental disorder.